The following is an entry in ClinVar:

NM_001126108.2(SLC12A3):c.841T>C (p.Trp281Arg)

Gene: SLC12A3 (solute carrier family 12 member 3; plus strand). Cytogenetic location: 16q13.
Variant type: single nucleotide variant.
Coding change: c.841T>C on transcript NM_001126108.2 (MANE Select); coding-DNA position 841, T replaced by C.
Protein change: p.Trp281Arg; replaces tryptophan 281 with arginine.
Molecular consequence: missense variant.
Genome position (GRCh38, 1-based): chr16:56,870,725, T>C. VCF-style: chr16-56870725-T-C. GRCh37 (hg19) VCF-style: chr16-56904637-T-C.
Other names: c.838T>C, p.Trp280Arg (NM_001410896.1, NM_001126107.2); c.841T>C, p.Trp281Arg (NM_000339.3); short protein forms W280R, W281R.
Identifiers: ClinVar variation 5018711 (VCV005018711.2).

ClinVar aggregate classification (germline): Uncertain significance (1 of 4 stars; one submission).

Conditions:
Familial hypokalemia-hypomagnesemia (GTLMNS). Also called: HYPOMAGNESEMIA-HYPOKALEMIA, PRIMARY RENOTUBULAR, WITH HYPOCALCIURIA; POTASSIUM AND MAGNESIUM DEPLETION; gitelman syndrome. Identifiers: Orphanet 358, MedGen C0268450, MONDO:0009904, OMIM 263800.

Submission:

Juno Genomics, Hangzhou Juno Genomics, Inc
Classification: Uncertain significance for Familial hypokalemia-hypomagnesemia. Review status: criteria provided, single submitter. Criteria: ACMG Guidelines, 2015. Collection method: clinical testing. Allele origin: germline.
Comment: Absent from controls (or at extremely low frequency if recessive) in Genome Aggregation Database.;Multiple lines of computational evidence support a deleterious effect on the gene or gene product.;For recessive disorders, detected in trans with a pathogenic variant.